The following is an entry in ClinVar:

NM_000222.3(KIT):c.2732C>A (p.Pro911His)

Gene: KIT (KIT proto-oncogene, receptor tyrosine kinase; plus strand). Cytogenetic location: 4q12.
Variant type: single nucleotide variant.
Coding change: c.2732C>A on transcript NM_000222.3 (MANE Select); coding-DNA position 2732, C replaced by A.
Protein change: p.Pro911His; replaces proline 911 with histidine.
Molecular consequence: missense variant.
Genome position (GRCh38, 1-based): chr4:54,737,210, C>A. VCF-style: chr4-54737210-C-A. GRCh37 (hg19) VCF-style: chr4-55603376-C-A.
Other names: c.2720C>A, p.Pro907His (NM_001093772.2, NM_001385292.1); c.2735C>A, p.Pro912His (NM_001385284.1); c.2729C>A, p.Pro910His (NM_001385285.1); c.2717C>A, p.Pro906His (NM_001385286.1); c.2723C>A, p.Pro908His (NM_001385288.1); c.2732C>A, p.Pro911His (NM_001385290.1); short protein forms P911H, P907H, P906H, P908H, P910H, P912H.
Identifiers: ClinVar variation 458929 (VCV000458929.10), dbSNP rs772159767, ClinGen allele CA2923844.

ClinVar aggregate classification (germline): Uncertain significance. Review status: criteria provided, multiple submitters, no conflicts (2 of 4 stars). 2 submissions from 2 submitters: Uncertain significance (2). Last evaluated 2024-08-20.

Conditions:
Gastrointestinal stromal tumor. Also called: Gastrointestinal stroma tumor; Gastrointestinal stromal tumor, somatic. Identifiers: Orphanet 44890, MedGen C0238198, MeSH D046152, MONDO:0011719, OMIM 606764, HP:0100723.
Hereditary cancer-predisposing syndrome. Also called: Tumor predisposition; Hereditary neoplastic syndrome; Neoplastic Syndromes, Hereditary; Hereditary Cancer Syndrome. Identifiers: Orphanet 140162, MedGen C0027672, MeSH D009386, MONDO:0015356.

gnomAD v4.1: 21 of 1,613,764 alleles (0.0013%); highest among the groups gnomAD compares: South Asian, 0.02%; no homozygotes.

Submissions (2):

Ambry Genetics
Classification: Uncertain significance for Hereditary cancer-predisposing syndrome. Last evaluated: 2024-08-20. Review status: criteria provided, single submitter. Criteria: Ambry Variant Classification Scheme 2023. Collection method: clinical testing. Allele origin: germline.
Comment: The p.P911H variant (also known as c.2732C>A), located in coding exon 20 of the KIT gene, results from a C to A substitution at nucleotide position 2732. The proline at codon 911 is replaced by histidine, an amino acid with similar properties. This amino acid position is highly conserved in available vertebrate species. In addition, this alteration is predicted to be deleterious by in silico analysis. Based on data from gnomAD, the frequency for this variant is above the maximum credible frequency for a disease-causing variant in this gene based on internally established thresholds (Karczewski et al. Nature. 2020 May;581(7809):434-443; Whiffin et al. Genet Med. 2017 10;19:1151-1158). Based on the available evidence, the clinical significance of this variant remains unclear.

Labcorp Genetics (formerly Invitae), Labcorp
Classification: Uncertain significance for Gastrointestinal stromal tumor. Last evaluated: 2023-08-17. Review status: criteria provided, single submitter. Criteria: Invitae Variant Classification Sherloc (09022015). Collection method: clinical testing. Allele origin: germline.
Comment: In summary, the available evidence is currently insufficient to determine the role of this variant in disease. Therefore, it has been classified as a Variant of Uncertain Significance. An algorithm developed to predict the effect of missense changes on protein structure and function (PolyPhen-2) suggests that this variant is likely to be disruptive. ClinVar contains an entry for this variant (Variation ID: 458929). This variant has not been reported in the literature in individuals affected with KIT-related conditions. This variant is present in population databases (rs772159767, gnomAD 0.02%). This sequence change replaces proline, which is neutral and non-polar, with histidine, which is basic and polar, at codon 911 of the KIT protein (p.Pro911His).